The following is an entry in ClinVar:

ClinVar aggregate classification (germline): Uncertain significance (1 of 4 stars; one submission).

Allele frequency attached by ClinVar (database versions not stated): gnomAD exomes 0.00002; ExAC 0.00009; ESP Exome Variant Server 0.00015; 1000 Genomes Project 30x 0.00016; 1000 Genomes Project 0.00020; gnomAD 0.00020; TOPMed 0.00021.

Submission:

Labcorp Genetics (formerly Invitae), Labcorp
Classification: Uncertain significance. Last evaluated: 2022-06-02. Review status: criteria provided, single submitter. Criteria: Invitae Variant Classification Sherloc (09022015). Collection method: clinical testing. Allele origin: germline.
Comment: This sequence change replaces proline, which is neutral and non-polar, with serine, which is neutral and polar, at codon 247 of the TIMMDC1 protein (p.Pro247Ser). This variant is present in population databases (rs200958513, gnomAD 0.1%). This variant has not been reported in the literature in individuals affected with TIMMDC1-related conditions. Algorithms developed to predict the effect of missense changes on protein structure and function are either unavailable or do not agree on the potential impact of this missense change (SIFT: "Tolerated"; PolyPhen-2: "Possibly Damaging"; Align-GVGD: "Class C0"). In summary, the available evidence is currently insufficient to determine the role of this variant in disease. Therefore, it has been classified as a Variant of Uncertain Significance.

NM_016589.4(TIMMDC1):c.739C>T (p.Pro247Ser)

Gene: TIMMDC1 (translocase of inner mitochondrial membrane domain containing 1; plus strand). Cytogenetic location: 3q13.33.
Variant type: single nucleotide variant.
Coding change: c.739C>T on transcript NM_016589.4 (MANE Select); coding-DNA position 739, C replaced by T.
Protein change: p.Pro247Ser; replaces proline 247 with serine.
Molecular consequence: missense variant.
Genome position (GRCh38, 1-based): chr3:119,523,637, C>T. VCF-style: chr3-119523637-C-T. GRCh37 (hg19) VCF-style: chr3-119242484-C-T.
Other names: short protein forms P247S.
Identifiers: ClinVar variation 2146905 (VCV002146905.4), dbSNP rs200958513, ClinGen allele CA2555368.